The following is an entry in ClinVar:

NM_003049.4(SLC10A1):c.613C>T (p.Leu205Phe)

Gene: SLC10A1 (solute carrier family 10 member 1; minus strand). Cytogenetic location: 14q24.1.
Variant type: single nucleotide variant.
Coding change: c.613C>T on transcript NM_003049.4 (MANE Select); coding-DNA position 613, C replaced by T.
Protein change: p.Leu205Phe; replaces leucine 205 with phenylalanine.
Molecular consequence: missense variant.
Genome position (GRCh38, 1-based): chr14:69,779,315, G>A on the plus strand (C>T on the coding strand, the complement: SLC10A1 is on the minus strand). VCF-style: chr14-69779315-G-A. GRCh37 (hg19) VCF-style: chr14-70246032-G-A.
Other names: short protein forms L205F.
Identifiers: ClinVar variation 4986683 (VCV004986683.1).

ClinVar aggregate classification (germline): Uncertain significance (1 of 4 stars; one submission).

Conditions:
SLC10A1-related disorder. Also called: SLC10A1-related condition.

gnomAD v4.1: 16 of 1,614,050 alleles (0.00099%); highest among the groups gnomAD compares: Non-Finnish European, 0.0011%; no homozygotes.

Submission:

PreventionGenetics, part of Exact Sciences
Classification: Uncertain significance for SLC10A1-related condition. Last evaluated: 2025-05-22. Review status: criteria provided, single submitter. Criteria: ACMG Guidelines, 2015. Collection method: clinical testing. Allele origin: germline.
Comment: The SLC10A1 c.613C>T variant is predicted to result in the amino acid substitution p.Leu205Phe. To our knowledge, this variant has not been reported in the literature. This variant is reported in 0.00088% of alleles in individuals of European (Non-Finnish) descent in gnomAD. At this time, the clinical significance of this variant is uncertain due to the absence of conclusive functional and genetic evidence.